The following is an entry in ClinVar:

ClinVar aggregate classification (germline): Uncertain significance (1 of 4 stars; one submission).

Allele frequency attached by ClinVar (database versions not stated): gnomAD exomes below 0.00001; ExAC 0.00001; TOPMed 0.00002.
gnomAD v4.1: 2 of 1,614,174 alleles (0.00012%); highest among the groups gnomAD compares: East Asian, 0.0045%; no homozygotes.

Submission:

Labcorp Genetics (formerly Invitae), Labcorp
Classification: Uncertain significance. Last evaluated: 2022-06-29. Review status: criteria provided, single submitter. Criteria: Invitae Variant Classification Sherloc (09022015). Collection method: clinical testing. Allele origin: germline.
Comment: This sequence change replaces glutamic acid, which is acidic and polar, with aspartic acid, which is acidic and polar, at codon 4306 of the LRP2 protein (p.Glu4306Asp). This variant is present in population databases (rs764980573, gnomAD 0.03%). This variant has not been reported in the literature in individuals affected with LRP2-related conditions. Advanced modeling of protein sequence and biophysical properties (such as structural, functional, and spatial information, amino acid conservation, physicochemical variation, residue mobility, and thermodynamic stability) performed at Invitae indicates that this missense variant is not expected to disrupt LRP2 protein function. In summary, the available evidence is currently insufficient to determine the role of this variant in disease. Therefore, it has been classified as a Variant of Uncertain Significance.

NM_004525.3(LRP2):c.12918G>C (p.Glu4306Asp)

Gene: LRP2 (LDL receptor related protein 2; minus strand). Cytogenetic location: 2q31.1.
Variant type: single nucleotide variant.
Coding change: c.12918G>C on transcript NM_004525.3 (MANE Select); coding-DNA position 12918, G replaced by C.
Protein change: p.Glu4306Asp; replaces glutamic acid 4306 with aspartic acid.
Molecular consequence: missense variant.
Genome position (GRCh38, 1-based): chr2:169,145,817, C>G on the plus strand (G>C on the coding strand, the complement: LRP2 is on the minus strand). VCF-style: chr2-169145817-C-G. GRCh37 (hg19) VCF-style: chr2-170002327-C-G.
Other names: short protein forms E4306D.
Identifiers: ClinVar variation 2095650 (VCV002095650.1), dbSNP rs764980573, ClinGen allele CA1952701.